The following is an entry in ClinVar:

ClinVar aggregate classification (germline): Conflicting classifications of pathogenicity. Review status: criteria provided, conflicting classifications (1 of 4 stars). 3 submissions from 3 submitters: Uncertain significance (2); Likely benign (1). Last evaluated 2025-11-05.

Conditions:
AFF4-related disorder. Also called: AFF4-related condition.
Inborn genetic diseases. Identifiers: MedGen C0950123, MeSH D030342.
Cognitive impairment - coarse facies - heart defects - obesity - pulmonary involvement - short stature - skeletal dysplasia syndrome. Also called: COGNITIVE IMPAIRMENT, COARSE FACIES, HEART DEFECTS, OBESITY, PULMONARY INVOLVEMENT, SHORT STATURE, AND SKELETAL DYSPLASIA; Chops syndrome; AFF4-Related CHOPS Syndrome. Identifiers: Orphanet 444077, MedGen C4085597, MONDO:0014609, OMIM 616368.

gnomAD v4.1: 84 of 1,595,018 alleles (0.0053%); highest among the groups gnomAD compares: Non-Finnish European, 0.0067%; no homozygotes.

Submissions (3):

PreventionGenetics, part of Exact Sciences
Classification: Uncertain significance for AFF4-related condition. Last evaluated: 2025-11-05. Review status: criteria provided, single submitter. Criteria: ACMG Guidelines, 2015. Collection method: clinical testing. Allele origin: germline.
Comment: The AFF4 c.2287A>C variant is predicted to result in the amino acid substitution p.Lys763Gln. To our knowledge, this variant has not been reported in the literature. This variant is reported in 0.0097% of alleles in individuals of European (Non-Finnish) descent in gnomAD. At this time, the clinical significance of this variant is uncertain due to the absence of conclusive functional and genetic evidence.

Ambry Genetics
Classification: Likely benign for Inborn genetic diseases. Last evaluated: 2025-03-25. Review status: criteria provided, single submitter. Criteria: Ambry Variant Classification Scheme 2023. Collection method: clinical testing. Allele origin: germline.

Labcorp Genetics (formerly Invitae), Labcorp
Classification: Uncertain significance for Cognitive impairment - coarse facies - heart defects - obesity - pulmonary involvement - short stature - skeletal dysplasia syndrome. Last evaluated: 2025-01-29. Review status: criteria provided, single submitter. Criteria: Invitae Variant Classification Sherloc (09022015). Collection method: clinical testing. Allele origin: germline.
Comment: This sequence change replaces lysine, which is basic and polar, with glutamine, which is neutral and polar, at codon 763 of the AFF4 protein (p.Lys763Gln). This variant is present in population databases (rs199587215, gnomAD 0.008%). This variant has not been reported in the literature in individuals affected with AFF4-related conditions. Invitae Evidence Modeling of protein sequence and biophysical properties (such as structural, functional, and spatial information, amino acid conservation, physicochemical variation, residue mobility, and thermodynamic stability) indicates that this missense variant is expected to disrupt AFF4 protein function with a positive predictive value of 80%. In summary, the available evidence is currently insufficient to determine the role of this variant in disease. Therefore, it has been classified as a Variant of Uncertain Significance.

NM_014423.4(AFF4):c.2287A>C (p.Lys763Gln)

Gene: AFF4 (ALF transcription elongation factor 4; minus strand). Cytogenetic location: 5q31.1.
Variant type: single nucleotide variant.
Coding change: c.2287A>C on transcript NM_014423.4 (MANE Select); coding-DNA position 2287, A replaced by C.
Protein change: p.Lys763Gln; replaces lysine 763 with glutamine.
Molecular consequence: missense variant.
Genome position (GRCh38, 1-based): chr5:132,896,343, T>G on the plus strand (A>C on the coding strand, the complement: AFF4 is on the minus strand). VCF-style: chr5-132896343-T-G. GRCh37 (hg19) VCF-style: chr5-132232035-T-G.
Other names: c.2287A>C (NM_014423.3); short protein forms K763Q.
Identifiers: ClinVar variation 3668818 (VCV003668818.4).
Genomic context (GRCh38, chr5:132,896,343, plus strand): 5'-TCTGATGTTTCAAAACAAACAACAAAAACCCTTCACAAACCTTATGCTTCCTCTTGCCTT[T>G]GTTGGAAACTTTTTCTGAGGCTTGTTTCTGAGCCTCTCTCGTGTGCTTTTCTGGCACATT-3'
Protein context (NP_055238.1, residues 753-773): QKQASEKVSN[Lys763Gln]GKRKHKNEDD